The following is an entry in ClinVar:

ClinVar aggregate classification (germline): Uncertain significance (1 of 4 stars; one submission).

Conditions:
Propionic acidemia (PROP). Also called: GLYCINEMIA, KETOTIC; HYPERGLYCINEMIA WITH KETOACIDOSIS AND LEUKOPENIA; KETOTIC HYPERGLYCINEMIA. Identifiers: Orphanet 35, MedGen C0268579, MONDO:0011628, OMIM 606054, HP:0003571.

Allele frequency attached by ClinVar (database versions not stated): gnomAD exomes below 0.00001.
gnomAD v4.1: 2 of 1,614,038 alleles (0.00012%); highest among the groups gnomAD compares: South Asian, 0.0011%; no homozygotes.

Submission:

Labcorp Genetics (formerly Invitae), Labcorp
Classification: Uncertain significance for Propionic acidemia. Last evaluated: 2023-12-12. Review status: criteria provided, single submitter. Criteria: Invitae Variant Classification Sherloc (09022015). Collection method: clinical testing. Allele origin: germline.
Comment: This sequence change replaces glycine, which is neutral and non-polar, with serine, which is neutral and polar, at codon 393 of the PCCA protein (p.Gly393Ser). This variant is present in population databases (no rsID available, gnomAD 0.0009%). This variant has not been reported in the literature in individuals affected with PCCA-related conditions. Advanced modeling of protein sequence and biophysical properties (such as structural, functional, and spatial information, amino acid conservation, physicochemical variation, residue mobility, and thermodynamic stability) performed at Invitae indicates that this missense variant is expected to disrupt PCCA protein function with a positive predictive value of 95%. In summary, the available evidence is currently insufficient to determine the role of this variant in disease. Therefore, it has been classified as a Variant of Uncertain Significance.

NM_000282.4(PCCA):c.1177G>A (p.Gly393Ser)

Gene: PCCA (propionyl-CoA carboxylase subunit alpha; plus strand). Cytogenetic location: 13q32.3.
Variant type: single nucleotide variant.
Coding change: c.1177G>A on transcript NM_000282.4 (MANE Select); coding-DNA position 1177, G replaced by A.
Protein change: p.Gly393Ser; replaces glycine 393 with serine.
Molecular consequence: missense variant. On other transcripts: non-coding transcript variant (5), intron variant (3).
Genome position (GRCh38, 1-based): chr13:100,301,571, G>A. VCF-style: chr13-100301571-G-A. GRCh37 (hg19) VCF-style: chr13-100953825-G-A.
Other names: c.1099G>A, p.Gly367Ser (NM_001127692.3, NM_001352607.2); c.1177G>A, p.Gly393Ser (NM_001178004.2, NM_001352605.2, NM_001352609.2); c.232G>A, p.Gly78Ser (NM_001352610.2, NM_001352611.2); c.1066-1353G>A (NM_001352606.2); c.121-1353G>A (NM_001352612.2); c.988-1353G>A (NM_001352608.2); short protein forms G367S, G78S, G393S.
Identifiers: ClinVar variation 2968848 (VCV002968848.3), dbSNP rs1391762686, ClinGen allele CA388695330.
Genomic context (GRCh38, chr13:100,301,571, plus strand): 5'-ATGATCCGTGTTGCTAAGGGCTACCCTCTCAGGCACAAACAAGCTGATATTCGCATCAAC[G>A]GCTGGGCAGTTGAATGTCGGGTTTATGCTGAGGTAAAATGAATGGTGTTGGGAGGAAGGA-3'
Protein context (NP_000273.2, residues 383-403): RHKQADIRIN[Gly393Ser]WAVECRVYAE